The following is an entry in ClinVar:

ClinVar aggregate classification (germline): Uncertain significance. Review status: criteria provided, multiple submitters, no conflicts (2 of 4 stars). 4 submissions from 4 submitters: Uncertain significance (4). Last evaluated 2026-04-14.

Conditions:
Cardiomyopathy (CMYO). Also called: Cardiomyopathies. Identifiers: Orphanet 167848, MedGen C0878544, MONDO:0004994, HP:0001638. Inheritance: Various modes of inheritance.
Arrhythmogenic right ventricular dysplasia 8 (ARVD8). Also called: Arrhythmogenic Right Ventricular Dysplasia/Cardiomyopathy 8; ARRHYTHMOGENIC RIGHT VENTRICULAR DYSPLASIA, FAMILIAL, 8; ARRHYTHMOGENIC RIGHT VENTRICULAR CARDIOMYOPATHY 8. Identifiers: MedGen C1843896, MONDO:0011831, OMIM 607450.
Arrhythmogenic cardiomyopathy with wooly hair and keratoderma. Also called: Dilated cardiomyopathy with woolly hair and keratoderma; Arrhythmogenic cardiomyopathy with woolly hair and keratoderma; PALMOPLANTAR KERATODERMA WITH LEFT VENTRICULAR CARDIOMYOPATHY AND WOOLLY HAIR; Carvajal syndrome. Identifiers: Orphanet 65282, MedGen C1854063, MONDO:0011581, OMIM 605676.

Allele frequency attached by ClinVar (database versions not stated): ExAC 0.00001; gnomAD exomes 0.00001 and below 0.00001.
gnomAD v4.1: 3 of 1,614,026 alleles (0.00019%); highest among the groups gnomAD compares: Non-Finnish European, 0.00025%; no homozygotes.

Submissions (4):

GeneDx
Classification: Uncertain significance. Last evaluated: 2026-04-14. Review status: criteria provided, single submitter. Criteria: GeneDx Variant Classification Process June 2021. Collection method: clinical testing. Allele origin: germline.
Comment: Not observed at significant frequency in large population cohorts (gnomAD); In silico analysis suggests that this missense variant does not alter protein structure/function; Has not been previously published as pathogenic or benign to our knowledge

Color Diagnostics, LLC DBA Color Health
Classification: Uncertain significance for Cardiomyopathy. Last evaluated: 2025-06-02. Review status: criteria provided, single submitter. Criteria: ACMG Guidelines, 2015. Collection method: clinical testing. Allele origin: germline.
Comment: This missense variant replaces arginine with lysine at codon 1352 of the DSP protein. Computational prediction suggests that this variant may not impact protein structure and function. To our knowledge, functional studies have not been reported for this variant. This variant has not been reported in individuals affected with DSP-related disorders in the literature. This variant has been identified in 1/250584 chromosomes in the general population by the Genome Aggregation Database (gnomAD). The available evidence is insufficient to determine the role of this variant in disease conclusively. Therefore, this variant is classified as a Variant of Uncertain Significance.

Labcorp Genetics (formerly Invitae), Labcorp
Classification: Uncertain significance for Arrhythmogenic cardiomyopathy with wooly hair and keratoderma; Arrhythmogenic right ventricular dysplasia 8. Last evaluated: 2023-12-01. Review status: criteria provided, single submitter. Criteria: Invitae Variant Classification Sherloc (09022015). Collection method: clinical testing. Allele origin: germline.
Comment: This sequence change replaces arginine, which is basic and polar, with lysine, which is basic and polar, at codon 1352 of the DSP protein (p.Arg1352Lys). This variant is present in population databases (rs757808893, gnomAD 0.0009%). This variant has not been reported in the literature in individuals affected with DSP-related conditions. ClinVar contains an entry for this variant (Variation ID: 1384367). An algorithm developed to predict the effect of missense changes on protein structure and function (PolyPhen-2) suggests that this variant is likely to be disruptive. In summary, the available evidence is currently insufficient to determine the role of this variant in disease. Therefore, it has been classified as a Variant of Uncertain Significance.

All of Us Research Program, National Institutes of Health
Classification: Uncertain significance for Arrhythmogenic cardiomyopathy with wooly hair and keratoderma. Last evaluated: 2023-05-30. Review status: criteria provided, single submitter. Criteria: ACMG Guidelines, 2015. Collection method: clinical testing. Allele origin: germline. Inheritance: Autosomal dominant inheritance. Observed: 1 variant allele, 1 heterozygote.
Comment: This missense variant replaces arginine with lysine at codon 1352 of the DSP protein. Computational prediction suggests that this variant may not impact protein structure and function (internally defined REVEL score threshold <= 0.5, PMID: 27666373). To our knowledge, functional studies have not been reported for this variant. This variant has not been reported in individuals affected with DSP-related disorders in the literature. This variant has been identified in 1/250584 chromosomes in the general population by the Genome Aggregation Database (gnomAD). The available evidence is insufficient to determine the role of this variant in disease conclusively. Therefore, this variant is classified as a Variant of Uncertain Significance.

This study involves interpretation of variants in research participants for the purpose of population health screening. Participant phenotype was not available at the time of variant classification. Additional details can be found in publication PMID: 35346344, PMCID: PMC8962531

NM_004415.4(DSP):c.4055G>A (p.Arg1352Lys)

Gene: DSP (desmoplakin; plus strand). Cytogenetic location: 6p24.3.
Variant type: single nucleotide variant.
Coding change: c.4055G>A on transcript NM_004415.4 (MANE Select); coding-DNA position 4055, G replaced by A.
Protein change: p.Arg1352Lys; replaces arginine 1352 with lysine.
Molecular consequence: missense variant. On other transcripts: intron variant (2).
Genome position (GRCh38, 1-based): chr6:7,580,245, G>A. VCF-style: chr6-7580245-G-A. GRCh37 (hg19) VCF-style: chr6-7580478-G-A.
Other names: c.4050+5G>A (NM_001319034.2); c.3582+473G>A (NM_001008844.3); c.4055G>A (NM_004415.2); short protein forms R1352K.
Identifiers: ClinVar variation 1384367 (VCV001384367.9), dbSNP rs757808893, ClinGen allele CA039990.